The following is an entry in ClinVar:

NM_001365951.3(KIF1B):c.3289A>C (p.Lys1097Gln)

Gene: KIF1B (kinesin family member 1B; plus strand). Cytogenetic location: 1p36.22.
Variant type: single nucleotide variant.
Coding change: c.3289A>C on transcript NM_001365951.3 (MANE Select); coding-DNA position 3289, A replaced by C.
Protein change: p.Lys1097Gln; replaces lysine 1097 with glutamine.
Molecular consequence: missense variant.
Genome position (GRCh38, 1-based): chr1:10,337,400, A>C. VCF-style: chr1-10337400-A-C. GRCh37 (hg19) VCF-style: chr1-10397458-A-C.
Other names: c.3289A>C, p.Lys1097Gln (NM_001365952.1); c.3151A>C, p.Lys1051Gln (NM_015074.3); short protein forms K1051Q, K1097Q.
Identifiers: ClinVar variation 3226438 (VCV003226438.1), dbSNP rs139324914, ClinGen allele CA581750.
Genomic context (GRCh38, chr1:10,337,400, plus strand): 5'-ACCATCTGTGTCTTCATTTGACCCTCTTTAGATTTGAAGTCAAGCACTTTGCTGGATGGT[A>C]AGATGGTAATGGAAGGGTTTTCTGAAGAGATTGGCAACCACCTGAAACTGGGCAGTGCCT-3'
Protein context (NP_001352880.1, residues 1087-1107): DLKSSTLLDG[Lys1097Gln]MVMEGFSEEI

ClinVar aggregate classification (germline): Uncertain significance (1 of 4 stars; one submission).

Allele frequency attached by ClinVar (database versions not stated): 1000 Genomes Project 30x 0.00016; 1000 Genomes Project 0.00020; ExAC 0.00001; gnomAD 0.00001.
gnomAD v4.1: 1 of 1,614,172 alleles (0.000062%); highest among the groups gnomAD compares: East Asian, 0.0022%; no homozygotes.

Submission:

Ambry Genetics
Classification: Uncertain significance. Last evaluated: 2023-11-01. Review status: criteria provided, single submitter. Criteria: Ambry Variant Classification Scheme 2023. Collection method: clinical testing. Allele origin: germline.
Comment: The p.K1051Q variant (also known as c.3151A>C), located in coding exon 28 of the KIF1B gene, results from an A to C substitution at nucleotide position 3151. The lysine at codon 1051 is replaced by glutamine, an amino acid with similar properties. This amino acid position is conserved. In addition, the in silico prediction for this alteration is inconclusive. Since supporting evidence is limited at this time, the clinical significance of this alteration remains unclear.